The following is an entry in ClinVar:

ClinVar aggregate classification (germline): Uncertain significance (1 of 4 stars; one submission).

gnomAD v4.1: 1 of 1,608,832 alleles (0.000062%); highest among the groups gnomAD compares: African/African-American, 0.0013%; no homozygotes.

Submission:

Labcorp Genetics (formerly Invitae), Labcorp
Classification: Uncertain significance. Last evaluated: 2025-06-12. Review status: criteria provided, single submitter. Criteria: Invitae Variant Classification Sherloc (09022015). Collection method: clinical testing. Allele origin: germline.
Comment: This sequence change replaces aspartic acid, which is acidic and polar, with glycine, which is neutral and non-polar, at codon 827 of the CACNA1D protein (p.Asp827Gly). This variant is present in population databases (no rsID available, gnomAD 0.007%). This variant has not been reported in the literature in individuals affected with CACNA1D-related conditions. ClinVar contains an entry for this variant (Variation ID: 3650221). Invitae Evidence Modeling of protein sequence and biophysical properties (such as structural, functional, and spatial information, amino acid conservation, physicochemical variation, residue mobility, and thermodynamic stability) indicates that this missense variant is not expected to disrupt CACNA1D protein function with a negative predictive value of 80%. In summary, the available evidence is currently insufficient to determine the role of this variant in disease. Therefore, it has been classified as a Variant of Uncertain Significance.

NM_001128840.3(CACNA1D):c.2420A>G (p.Asp807Gly)

Gene: CACNA1D (calcium voltage-gated channel subunit alpha1 D; plus strand). Cytogenetic location: 3p21.1.
Variant type: single nucleotide variant.
Coding change: c.2420A>G on transcript NM_001128840.3 (MANE Select); coding-DNA position 2420, A replaced by G.
Protein change: p.Asp807Gly; replaces aspartic acid 807 with glycine.
Molecular consequence: missense variant.
Genome position (GRCh38, 1-based): chr3:53,732,029, A>G. VCF-style: chr3-53732029-A-G. GRCh37 (hg19) VCF-style: chr3-53766056-A-G.
Other names: c.2480A>G, p.Asp827Gly (NM_000720.4); c.2420A>G, p.Asp807Gly (NM_001128839.3); short protein forms D807G, D827G.
Identifiers: ClinVar variation 3650221 (VCV003650221.2).
Genomic context (GRCh38, chr3:53,732,029, plus strand): 5'-ATTTTAAGTCAGTCTCCCCTCCTCCCAAGATGTCTTTGTCATCCTAGGTTACAATTGATG[A>G]CTATAGAGAAGAGGATGAAGACAAGGACCCCTATCCGCCTTGCGATGTGCCAGGTATGGT-3'
Protein context (NP_001122312.1, residues 797-817): ANSDNKVTID[Asp807Gly]YREEDEDKDP